The following is an entry in ClinVar:

ClinVar aggregate classification (germline): Likely benign (0 of 4 stars; one submission).

Conditions:
PTPRF-related disorder. Also called: PTPRF-related condition.

Allele frequency attached by ClinVar (database versions not stated): ExAC 0.00032; gnomAD 0.00003; gnomAD exomes 0.00008; TOPMed 0.00014.
gnomAD v4.1: 112 of 1,591,994 alleles (0.007%); highest among the groups gnomAD compares: Admixed American, 0.094%; 1 homozygote.

Submission:

PreventionGenetics, part of Exact Sciences
Classification: Likely benign for PTPRF-related condition. Last evaluated: 2020-02-14. Review status: no assertion criteria provided. Collection method: clinical testing. Allele origin: germline.
Comment: This variant is classified as likely benign based on ACMG/AMP sequence variant interpretation guidelines (Richards et al. 2015 PMID: 25741868, with internal and published modifications).

NM_002840.5(PTPRF):c.4372-7C>T

Gene: PTPRF (protein tyrosine phosphatase receptor type F; plus strand). Cytogenetic location: 1p34.2.
Variant type: single nucleotide variant.
Coding change: c.4372-7C>T on transcript NM_002840.5 (MANE Select); 7 bases into the intron before coding-DNA position 4372, C replaced by T.
Molecular consequence: intron variant.
Genome position (GRCh38, 1-based): chr1:43,618,623, C>T. VCF-style: chr1-43618623-C-T. GRCh37 (hg19) VCF-style: chr1-44084294-C-T.
Other names: c.3562-7C>T (NM_001329138.2); c.3538-7C>T (NM_001329137.2); c.4345-7C>T (NM_130440.4); c.3520-7C>T (NM_001329139.2); c.3460-7C>T (NM_001329140.2).
Identifiers: ClinVar variation 3051139 (VCV003051139.2), dbSNP rs756740578, ClinGen allele CA813192.